The following is an entry in ClinVar:

NM_000057.4(BLM):c.17A>C (p.Gln6Pro)

Gene: BLM (BLM RecQ like helicase; plus strand). Cytogenetic location: 15q26.1.
Variant type: single nucleotide variant.
Coding change: c.17A>C on transcript NM_000057.4 (MANE Select); coding-DNA position 17, A replaced by C.
Protein change: p.Gln6Pro; replaces glutamine 6 with proline.
Molecular consequence: missense variant. On other transcripts: 5 prime UTR variant (1).
Genome position (GRCh38, 1-based): chr15:90,747,409, A>C. VCF-style: chr15-90747409-A-C. GRCh37 (hg19) VCF-style: chr15-91290639-A-C.
Other names: c.17A>C (NM_000057.2); c.17A>C, p.Gln6Pro (NM_001287246.2, NM_001287247.2); c.-1275A>C (NM_001287248.2); short protein forms Q6P.
Identifiers: ClinVar variation 648584 (VCV000648584.9), dbSNP rs1248128883, ClinGen allele CA393838782.

ClinVar aggregate classification (germline): Uncertain significance. Review status: criteria provided, multiple submitters, no conflicts (2 of 4 stars). 2 submissions from 2 submitters: Uncertain significance (2). Last evaluated 2026-01-26.

Conditions:
Bloom syndrome (BLM). Also called: Bloom-Torre-Machacek syndrome. Identifiers: Orphanet 125, MedGen C0005859, MONDO:0008876, OMIM 210900.
Hereditary cancer-predisposing syndrome. Also called: Neoplastic Syndromes, Hereditary; Tumor predisposition; Hereditary Cancer Syndrome; Hereditary neoplastic syndrome. Identifiers: Orphanet 140162, MedGen C0027672, MeSH D009386, MONDO:0015356.

Submissions (2):

Labcorp Genetics (formerly Invitae), Labcorp
Classification: Uncertain significance for Bloom syndrome. Last evaluated: 2026-01-26. Review status: criteria provided, single submitter. Criteria: Invitae Variant Classification Sherloc (09022015). Collection method: clinical testing. Allele origin: germline.
Comment: This sequence change replaces glutamine, which is neutral and polar, with proline, which is neutral and non-polar, at codon 6 of the BLM protein (p.Gln6Pro). This variant is not present in population databases (gnomAD no frequency). This variant has not been reported in the literature in individuals affected with BLM-related conditions. ClinVar contains an entry for this variant (Variation ID: 648584). An algorithm developed to predict the effect of missense changes on protein structure and function (PolyPhen-2) suggests that this variant is likely to be disruptive. In summary, the available evidence is currently insufficient to determine the role of this variant in disease. Therefore, it has been classified as a Variant of Uncertain Significance.

Ambry Genetics
Classification: Uncertain significance for Hereditary cancer-predisposing syndrome. Last evaluated: 2025-06-13. Review status: criteria provided, single submitter. Criteria: Ambry Variant Classification Scheme 2023. Collection method: clinical testing. Allele origin: germline.
Comment: The p.Q6P variant (also known as c.17A>C), located in coding exon 1 of the BLM gene, results from an A to C substitution at nucleotide position 17. The glutamine at codon 6 is replaced by proline, an amino acid with similar properties. This amino acid position is conserved. In addition, this alteration is predicted to be tolerated by in silico analysis. Based on the available evidence, the clinical significance of this variant remains unclear.